The following is an entry in ClinVar:

ClinVar aggregate classification (germline): Uncertain significance (1 of 4 stars; one submission).

gnomAD v4.1: 5 of 1,540,172 alleles (0.00032%); highest among the groups gnomAD compares: Non-Finnish European, 0.00044%; no homozygotes.

Submission:

GeneDx
Classification: Uncertain significance. Last evaluated: 2026-04-21. Review status: criteria provided, single submitter. Criteria: GeneDx Variant Classification Process June 2021. Collection method: clinical testing. Allele origin: germline.
Comment: Not observed at significant frequency in large population cohorts (gnomAD); In silico analysis suggests that this missense variant does not alter protein structure/function; Has not been previously published as pathogenic or benign to our knowledge

NM_001394372.1(BICRA):c.1297G>C (p.Gly433Arg)

Gene: BICRA (BRD4 interacting chromatin remodeling complex associated protein; plus strand). Cytogenetic location: 19q13.33.
Variant type: single nucleotide variant.
Coding change: c.1297G>C on transcript NM_001394372.1 (MANE Select); coding-DNA position 1297, G replaced by C.
Protein change: p.Gly433Arg; replaces glycine 433 with arginine.
Molecular consequence: missense variant.
Genome position (GRCh38, 1-based): chr19:47,680,467, G>C. VCF-style: chr19-47680467-G-C. GRCh37 (hg19) VCF-style: chr19-48183724-G-C.
Other names: c.1297G>C, p.Gly433Arg (NM_015711.3); short protein forms G433R.
Identifiers: ClinVar variation 5037542 (VCV005037542.1).